The following is an entry in ClinVar:

ClinVar aggregate classification (germline): Pathogenic (1 of 4 stars; one submission).

Conditions:
Mucopolysaccharidosis, MPS-III-D (MPS3D). Also called: N-ACETYLGLUCOSAMINE-6-SULFATASE DEFICIENCY; SANFILIPPO SYNDROME D; MPS III D; Mucopoly-saccharidosis type 3D; N-acetylglucosamine-6-sulfate sulfatase deficiency; MPS 3D. Identifiers: Orphanet 581, Orphanet 79272, MedGen C0086650, MONDO:0009658, OMIM 252940.

Allele frequency attached by ClinVar (database versions not stated): gnomAD exomes below 0.00001.
gnomAD v4.1: 1 of 1,501,672 alleles (0.000067%); highest among the groups gnomAD compares: Admixed American, 0.0017%; no homozygotes.

Submission:

Labcorp Genetics (formerly Invitae), Labcorp
Classification: Pathogenic for Mucopolysaccharidosis, MPS-III-D. Last evaluated: 2021-08-20. Review status: criteria provided, single submitter. Criteria: Invitae Variant Classification Sherloc (09022015). Collection method: clinical testing. Allele origin: germline.
Comment: This variant is not present in population databases (ExAC no frequency). This sequence change affects a donor splice site in intron 7 of the GNS gene. It is expected to disrupt RNA splicing. Variants that disrupt the donor or acceptor splice site typically lead to a loss of protein function (PMID: 16199547), and loss-of-function variants in GNS are known to be pathogenic (PMID: 20232353). Disruption of this splice site has been observed in individual(s) with clinical features of mucopolysaccharidosis type III (Invitae). In at least one individual the data is consistent with the variant being in trans (on the opposite chromosome) from a pathogenic variant. Algorithms developed to predict the effect of sequence changes on RNA splicing suggest that this variant may disrupt the consensus splice site. For these reasons, this variant has been classified as Pathogenic.

Literature cited by the submitters: PubMed 16199547; PubMed 20232353.

NM_002076.4(GNS):c.875+1G>A

Gene: GNS (glucosamine (N-acetyl)-6-sulfatase; minus strand). Cytogenetic location: 12q14.3.
Variant type: single nucleotide variant.
Coding change: c.875+1G>A on transcript NM_002076.4 (MANE Select); the canonical splice donor site of the intron after coding-DNA position 875, G replaced by A.
Molecular consequence: splice donor variant.
Genome position (GRCh38, 1-based): chr12:64,740,605, C>T on the plus strand (G>A on the coding strand, the complement: GNS is on the minus strand). VCF-style: chr12-64740605-C-T. GRCh37 (hg19) VCF-style: chr12-65134385-C-T.
Identifiers: ClinVar variation 1452923 (VCV001452923.6), dbSNP rs1214781989, ClinGen allele CA385608418.
Genomic context (GRCh38, chr12:64,740,605, plus strand): 5'-CATGAGCTGATTTGCAGGGTCTTTAAAACCACTCAGATTGTTATGTAGCAGCAGCTCTTA[C>T]CTTTTCCTAAATGCATTATCTAAAAACTGTATTGAAGAATTAGTCATTGGAGTCTTGGCT-3'